The following is an entry in ClinVar:

ClinVar aggregate classification (germline): Uncertain significance (1 of 4 stars; one submission).

Submission:

Labcorp Genetics (formerly Invitae), Labcorp
Classification: Uncertain significance. Last evaluated: 2022-02-20. Review status: criteria provided, single submitter. Criteria: Invitae Variant Classification Sherloc (09022015). Collection method: clinical testing. Allele origin: germline.
Comment: In summary, the available evidence is currently insufficient to determine the role of this variant in disease. Therefore, it has been classified as a Variant of Uncertain Significance. Algorithms developed to predict the effect of missense changes on protein structure and function (SIFT, PolyPhen-2, Align-GVGD) all suggest that this variant is likely to be tolerated. This variant has not been reported in the literature in individuals affected with MYLK3-related conditions. This variant is not present in population databases (gnomAD no frequency). This sequence change replaces histidine, which is basic and polar, with tyrosine, which is neutral and polar, at codon 83 of the MYLK3 protein (p.His83Tyr).

NM_182493.3(MYLK3):c.247C>T (p.His83Tyr)

Gene: MYLK3 (myosin light chain kinase 3; minus strand). Cytogenetic location: 16q11.2.
Variant type: single nucleotide variant.
Coding change: c.247C>T on transcript NM_182493.3 (MANE Select); coding-DNA position 247, C replaced by T.
Protein change: p.His83Tyr; replaces histidine 83 with tyrosine.
Molecular consequence: missense variant. On other transcripts: intron variant (1).
Genome position (GRCh38, 1-based): chr16:46,747,947, G>A on the plus strand (C>T on the coding strand, the complement: MYLK3 is on the minus strand). VCF-style: chr16-46747947-G-A. GRCh37 (hg19) VCF-style: chr16-46781859-G-A.
Other names: c.-113-7800C>T (NM_001308301.1); short protein forms H83Y.
Identifiers: ClinVar variation 2100757 (VCV002100757.4), dbSNP rs2548911463, ClinGen allele CA395798226.